The following is an entry in ClinVar:

NM_002471.4(MYH6):c.753C>G (p.Ile251Met)

Gene: MYH6 (myosin heavy chain 6; minus strand). Cytogenetic location: 14q11.2.
Variant type: single nucleotide variant.
Coding change: c.753C>G on transcript NM_002471.4 (MANE Select); coding-DNA position 753, C replaced by G.
Protein change: p.Ile251Met; replaces isoleucine 251 with methionine.
Molecular consequence: missense variant.
Genome position (GRCh38, 1-based): chr14:23,403,761, G>C on the plus strand (C>G on the coding strand, the complement: MYH6 is on the minus strand). VCF-style: chr14-23403761-G-C. GRCh37 (hg19) VCF-style: chr14-23872970-G-C.
Other names: short protein forms I251M.
Identifiers: ClinVar variation 4614609 (VCV004614609.1).
Genomic context (GRCh38, chr14:23,403,761, plus strand): 5'-CTGCTGGTACTCACAGGTCTCTATGTCTGCAGAAGCCAGCTTTCCAGTGGCCCCAAAGTG[G>C]ATCCTAATGAATTTCCCCTGGGGACGAATGGGACAGAGTGAGGGAACTGGCGGGAAGGAC-3'
Protein context (NP_002462.2, residues 241-261): NSSRFGKFIR[Ile251Met]HFGATGKLAS

ClinVar aggregate classification (germline): Uncertain significance (1 of 4 stars; one submission).

Conditions:
Cardiovascular phenotype. Identifiers: MedGen CN230736.

Submission:

Ambry Genetics
Classification: Uncertain significance for Cardiovascular phenotype. Last evaluated: 2025-10-05. Review status: criteria provided, single submitter. Criteria: Ambry Variant Classification Scheme 2023. Collection method: clinical testing. Allele origin: germline.
Comment: The p.I251M variant (also known as c.753C>G), located in coding exon 7 of the MYH6 gene, results from a C to G substitution at nucleotide position 753. The isoleucine at codon 251 is replaced by methionine, an amino acid with highly similar properties. This amino acid position is conserved. In addition, the in silico prediction for this alteration is inconclusive. Based on the available evidence, the clinical significance of this variant remains unclear.